The following is an entry in ClinVar:

ClinVar aggregate classification (germline): Pathogenic (1 of 4 stars; one submission).

Conditions:
Hypertrophic cardiomyopathy 26. Also called: Cardiomyopathy, familial hypertrophic, 26. Identifiers: Orphanet 75249, MedGen C4310749, MONDO:0014883, OMIM 617047.
Myofibrillar myopathy 5. Also called: Filaminopathy (type); FILAMINOPATHY, AUTOSOMAL DOMINANT. Identifiers: Orphanet 171445, MedGen C1836050, MONDO:0012289, OMIM 609524.
Distal myopathy with posterior leg and anterior hand involvement. Also called: WILLIAMS DISTAL MYOPATHY. Identifiers: Orphanet 63273, MedGen C3279722, MONDO:0013550, OMIM 614065.

Submission:

Labcorp Genetics (formerly Invitae), Labcorp
Classification: Pathogenic for Distal myopathy with posterior leg and anterior hand involvement; Myofibrillar myopathy 5; Hypertrophic cardiomyopathy 26. Last evaluated: 2023-04-06. Review status: criteria provided, single submitter. Criteria: Invitae Variant Classification Sherloc (09022015). Collection method: clinical testing. Allele origin: germline.
Comment: This sequence change creates a premature translational stop signal (p.Ile178Serfs*74) in the FLNC gene. It is expected to result in an absent or disrupted protein product. Loss-of-function variants in FLNC are known to be pathogenic (PMID: 27908349). This variant is not present in population databases (gnomAD no frequency). This variant has not been reported in the literature in individuals affected with FLNC-related conditions. ClinVar contains an entry for this variant (Variation ID: 1373290). For these reasons, this variant has been classified as Pathogenic.

Literature cited by the submitters: PubMed 27908349.

NM_001458.5(FLNC):c.531_532delinsT (p.Ile178fs)

Gene: FLNC (filamin C; plus strand). Cytogenetic location: 7q32.1.
Variant type: Indel.
Coding change: c.531_532delinsT on transcript NM_001458.5 (MANE Select); coding-DNA positions 531 to 532, CA replaced by T.
Protein change: p.Ile178fs; shifts the reading frame from isoleucine 178.
Molecular consequence: frameshift variant.
Genome position (GRCh38, 1-based): chr7:128,835,504-128,835,505, CA replaced by T. VCF-style: chr7-128835504-CA-T. GRCh37 (hg19) VCF-style: chr7-128475558-CA-T.
Other names: c.531_532delinsT, p.Ile178fs (NM_001127487.2); short protein forms I178fs.
Identifiers: ClinVar variation 4812703 (VCV004812703.1).